The following is an entry in ClinVar:

NM_000744.7(CHRNA4):c.1044C>T (p.Phe348=)

Gene: CHRNA4 (cholinergic receptor nicotinic alpha 4 subunit; minus strand). Cytogenetic location: 20q13.33.
Variant type: single nucleotide variant.
Coding change: c.1044C>T on transcript NM_000744.7 (MANE Select); coding-DNA position 1044, C replaced by T.
Protein change: p.Phe348=; no amino-acid change (phenylalanine 348 retained).
Molecular consequence: synonymous variant. On other transcripts: non-coding transcript variant (1).
Genome position (GRCh38, 1-based): chr20:63,350,367, G>A on the plus strand (C>T on the coding strand, the complement: CHRNA4 is on the minus strand). VCF-style: chr20-63350367-G-A. GRCh37 (hg19) VCF-style: chr20-61981719-G-A.
Other names: c.516C>T, p.Phe172= (NM_001256573.2).
Identifiers: ClinVar variation 387832 (VCV000387832.8), dbSNP rs199504576, ClinGen allele CA9957672.

ClinVar aggregate classification (germline): Likely benign. Review status: criteria provided, multiple submitters, no conflicts (2 of 4 stars). 2 submissions from 2 submitters: Likely benign (2). Last evaluated 2025-08-07.

Conditions:
Familial sleep-related hypermotor epilepsy. Also called: Autosomal Dominant Sleep-Related Hypermotor (Hyperkinetic) Epilepsy. Identifiers: Orphanet 98784, MedGen C3696898, MONDO:0000030.

Allele frequency attached by ClinVar (database versions not stated): TOPMed 0.00005; gnomAD exomes 0.00010 and 0.00004; ExAC 0.00002; gnomAD 0.00004.
gnomAD v4.1: 158 of 1,613,644 alleles (0.0098%); highest among the groups gnomAD compares: Non-Finnish European, 0.012%; no homozygotes.

Submissions (2):

Labcorp Genetics (formerly Invitae), Labcorp
Classification: Likely benign. Last evaluated: 2025-08-07. Review status: criteria provided, single submitter. Criteria: Invitae Variant Classification Sherloc (09022015). Collection method: clinical testing. Allele origin: germline.

GeneDx
Classification: Likely benign. Last evaluated: 2016-07-28. Review status: criteria provided, single submitter. Criteria: GeneDx Variant Classification (06012015). Collection method: clinical testing. Allele origin: germline. Affected: yes.
Comment: This variant is considered likely benign or benign based on one or more of the following criteria: it is a conservative change, it occurs at a poorly conserved position in the protein, it is predicted to be benign by multiple in silico algorithms, and/or has population frequency not consistent with disease.